The following is an entry in ClinVar:

NM_213653.4(HJV):c.732T>C (p.Pro244=)

Gene: HJV (hemojuvelin BMP co-receptor; minus strand). Cytogenetic location: 1q21.1.
Variant type: single nucleotide variant.
Coding change: c.732T>C on transcript NM_213653.4 (MANE Select); coding-DNA position 732, T replaced by C.
Protein change: p.Pro244=; no amino-acid change (proline 244 retained).
Molecular consequence: synonymous variant.
Genome position (GRCh38, 1-based): chr1:146,018,626, A>G on the plus strand (T>C on the coding strand, the complement: HJV is on the minus strand). VCF-style: chr1-146018626-A-G. GRCh37 (hg19) VCF-style: chr1-145416387-T-C.
Other names: c.732T>C (NM_213653.3); c.54T>C, p.Pro18= (NM_001316767.2, NM_202004.4, NM_213652.4); c.732T>C, p.Pro244= (NM_001379352.1); c.393T>C, p.Pro131= (NM_145277.5).
Identifiers: ClinVar variation 1622427 (VCV001622427.9), dbSNP rs2101983030, ClinGen allele CA420603417.

ClinVar aggregate classification (germline): Likely benign. Review status: criteria provided, multiple submitters, no conflicts (2 of 4 stars). 2 submissions from 2 submitters: Likely benign (2). Last evaluated 2024-10-20.

Conditions:
HJV-related disorder. Also called: HJV-related condition.

Submissions (2):

PreventionGenetics, part of Exact Sciences
Classification: Likely benign for HJV-related condition. Last evaluated: 2024-10-20. Review status: criteria provided, single submitter. Criteria: ACMG Guidelines, 2015. Collection method: clinical testing. Allele origin: germline.
Comment: This variant is classified as likely benign based on ACMG/AMP sequence variant interpretation guidelines (Richards et al. 2015 PMID: 25741868, with internal and published modifications).

Labcorp Genetics (formerly Invitae), Labcorp
Classification: Likely benign. Last evaluated: 2023-11-17. Review status: criteria provided, single submitter. Criteria: Invitae Variant Classification Sherloc (09022015). Collection method: clinical testing. Allele origin: germline.